The following is an entry in ClinVar:

NM_005245.4(FAT1):c.7201G>A (p.Glu2401Lys)

Gene: FAT1 (FAT atypical cadherin 1; minus strand). Cytogenetic location: 4q35.2.
Variant type: single nucleotide variant.
Coding change: c.7201G>A on transcript NM_005245.4 (MANE Select); coding-DNA position 7201, G replaced by A.
Protein change: p.Glu2401Lys; replaces glutamic acid 2401 with lysine.
Molecular consequence: missense variant.
Genome position (GRCh38, 1-based): chr4:186,619,385, C>T on the plus strand (G>A on the coding strand, the complement: FAT1 is on the minus strand). VCF-style: chr4-186619385-C-T. GRCh37 (hg19) VCF-style: chr4-187540539-C-T.
Other names: short protein forms E2401K.
Identifiers: ClinVar variation 2201101 (VCV002201101.2), dbSNP rs767321821, ClinGen allele CA3166097.

ClinVar aggregate classification (germline): Uncertain significance (1 of 4 stars; one submission).

Allele frequency attached by ClinVar (database versions not stated): gnomAD 0.00001; gnomAD exomes 0.00002; TOPMed 0.00005; ExAC 0.00012.
gnomAD v4.1: 38 of 1,613,840 alleles (0.0024%); highest among the groups gnomAD compares: Admixed American, 0.018%; no homozygotes.

Submission:

Labcorp Genetics (formerly Invitae), Labcorp
Classification: Uncertain significance. Last evaluated: 2022-08-21. Review status: criteria provided, single submitter. Criteria: Invitae Variant Classification Sherloc (09022015). Collection method: clinical testing. Allele origin: germline.
Comment: In summary, the available evidence is currently insufficient to determine the role of this variant in disease. Therefore, it has been classified as a Variant of Uncertain Significance. Algorithms developed to predict the effect of missense changes on protein structure and function are either unavailable or do not agree on the potential impact of this missense change (SIFT: "Deleterious"; PolyPhen-2: "Benign"; Align-GVGD: "Class C55"). This variant has not been reported in the literature in individuals affected with FAT1-related conditions. This variant is present in population databases (rs767321821, gnomAD 0.03%). This sequence change replaces glutamic acid, which is acidic and polar, with lysine, which is basic and polar, at codon 2401 of the FAT1 protein (p.Glu2401Lys).